The following is an entry in ClinVar:

NM_001370259.2(MEN1):c.1596C>G (p.Gly532=)

Gene: MEN1 (menin 1; minus strand). Cytogenetic location: 11q13.1.
Variant type: single nucleotide variant.
Coding change: c.1596C>G on transcript NM_001370259.2 (MANE Select); coding-DNA position 1596, C replaced by G.
Protein change: p.Gly532=; no amino-acid change (glycine 532 retained).
Molecular consequence: synonymous variant. On other transcripts: non-coding transcript variant (4).
Genome position (GRCh38, 1-based): chr11:64,804,571, G>C on the plus strand (C>G on the coding strand, the complement: MEN1 is on the minus strand). VCF-style: chr11-64804571-G-C. GRCh37 (hg19) VCF-style: chr11-64572043-G-C.
Other names: c.1611C>G, p.Gly537= (NM_000244.4, NM_001407145.1, NM_130800.3 and 4 more transcripts); c.1722C>G, p.Gly574= (NM_001370251.2, NM_001407142.1, NM_001407143.1 and 1 more transcripts); c.1596C>G, p.Gly532= (NM_001370260.2, NM_001370261.2, NM_001407146.1 and 2 more transcripts); c.1491C>G, p.Gly497= (NM_001370262.2, NM_001370263.2, NM_001407148.1 and 1 more transcripts); c.1737C>G, p.Gly579= (NM_001407150.1); c.1617C>G, p.Gly539= (NM_001407151.1); c.1431C>G, p.Gly477= (NM_001407152.1).
Identifiers: ClinVar variation 3773434 (VCV003773434.1).

ClinVar aggregate classification (germline): Benign (1 of 4 stars; one submission).

Conditions:
Multiple endocrine neoplasia, type 1 (MEN1). Also called: MEN I; WERMER SYNDROME; Endocrine adenomatosis multiple; MEN 1; MEA I. Identifiers: Orphanet 652, MedGen C0025267, MeSH D018761, MONDO:0007540, OMIM 131100.

Submission:

Myriad Genetics, Inc.
Classification: Benign for Multiple endocrine neoplasia, type 1. Last evaluated: 2024-11-05. Review status: criteria provided, single submitter. Criteria: Myriad Autosomal Dominant, Autosomal Recessive and X-Linked Classification Criteria (2023). Collection method: clinical testing. Allele origin: unknown.
Comment: This variant is considered benign. This variant is a silent/synonymous amino acid change and it is not expected to impact splicing.